The following is an entry in ClinVar:

ClinVar aggregate classification (germline): Uncertain significance (1 of 4 stars; one submission).

Conditions:
Cardiovascular phenotype. Identifiers: MedGen CN230736.

gnomAD v4.1: 1 of 1,614,028 alleles (0.000062%); highest among the groups gnomAD compares: Non-Finnish European, 0.000085%; no homozygotes.

Submission:

Ambry Genetics
Classification: Uncertain significance for Cardiovascular phenotype. Last evaluated: 2020-11-20. Review status: criteria provided, single submitter. Criteria: Ambry Variant Classification Scheme 2023. Collection method: clinical testing. Allele origin: germline.
Comment: The p.F296L variant (also known as c.888C>G), located in coding exon 8 of the DSG2 gene, results from a C to G substitution at nucleotide position 888. The phenylalanine at codon 296 is replaced by leucine, an amino acid with highly similar properties. This amino acid position is not well conserved in available vertebrate species, and leucine is the reference amino acid in other vertebrate species. In addition, this alteration is predicted to be tolerated by in silico analysis. Since supporting evidence is limited at this time, the clinical significance of this alteration remains unclear.

NM_001943.5(DSG2):c.888C>G (p.Phe296Leu)

Gene: DSG2 (desmoglein 2; plus strand). Cytogenetic location: 18q12.1.
Variant type: single nucleotide variant.
Coding change: c.888C>G on transcript NM_001943.5 (MANE Select); coding-DNA position 888, C replaced by G.
Protein change: p.Phe296Leu; replaces phenylalanine 296 with leucine.
Molecular consequence: missense variant.
Genome position (GRCh38, 1-based): chr18:31,524,762, C>G. VCF-style: chr18-31524762-C-G. GRCh37 (hg19) VCF-style: chr18-29104725-C-G.
Other names: short protein forms F296L.
Identifiers: ClinVar variation 1764979 (VCV001764979.2), dbSNP rs975297970, ClinGen allele CA402135577.